The following is an entry in ClinVar:

NM_001082486.2(ACD):c.28C>T (p.Arg10Trp)

Gene: ACD (ACD shelterin complex subunit and telomerase recruitment factor; minus strand). Cytogenetic location: 16q22.1.
Variant type: single nucleotide variant.
Coding change: c.28C>T on transcript NM_001082486.2 (MANE Select); coding-DNA position 28, C replaced by T.
Protein change: p.Arg10Trp; replaces arginine 10 with tryptophan.
Molecular consequence: missense variant.
Genome position (GRCh38, 1-based): chr16:67,660,193, G>A on the plus strand (C>T on the coding strand, the complement: ACD is on the minus strand). VCF-style: chr16-67660193-G-A. GRCh37 (hg19) VCF-style: chr16-67694096-G-A.
Other names: c.28C>T, p.Arg10Trp (NM_001410884.1, NM_022914.3); short protein forms R10W.
Identifiers: ClinVar variation 1797036 (VCV001797036.6), dbSNP rs775787415, ClinGen allele CA8114845.

ClinVar aggregate classification (germline): Uncertain significance. Review status: criteria provided, multiple submitters, no conflicts (2 of 4 stars). 2 submissions from 2 submitters: Uncertain significance (2). Last evaluated 2024-06-06.

Conditions:
Inborn genetic diseases. Identifiers: MedGen C0950123, MeSH D030342.
Dyskeratosis congenita, autosomal dominant 6 (DKCA6). Identifiers: Orphanet 3322, MedGen C4225284, MONDO:0014690, OMIM 616553.

Allele frequency attached by ClinVar (database versions not stated): ExAC 0.00008.

Submissions (2):

Ambry Genetics
Classification: Uncertain significance for Inborn genetic diseases. Last evaluated: 2024-06-06. Review status: criteria provided, single submitter. Criteria: Ambry Variant Classification Scheme 2023. Collection method: clinical testing. Allele origin: germline.
Comment: The p.R96W variant (also known as c.286C>T), located in coding exon 1 of the ACD gene, results from a C to T substitution at nucleotide position 286. The arginine at codon 96 is replaced by tryptophan, an amino acid with dissimilar properties. This amino acid position is conserved. In addition, this alteration is predicted to be tolerated by in silico analysis. Since supporting evidence is limited at this time, the clinical significance of this alteration remains unclear.

Labcorp Genetics (formerly Invitae), Labcorp
Classification: Uncertain significance for Dyskeratosis congenita, autosomal dominant 6. Last evaluated: 2023-10-17. Review status: criteria provided, single submitter. Criteria: Invitae Variant Classification Sherloc (09022015). Collection method: clinical testing. Allele origin: germline.
Comment: This sequence change replaces arginine, which is basic and polar, with tryptophan, which is neutral and slightly polar, at codon 96 of the ACD protein (p.Arg96Trp). This variant is present in population databases (rs775787415, gnomAD 0.009%). This variant has not been reported in the literature in individuals affected with ACD-related conditions. ClinVar contains an entry for this variant (Variation ID: 1797036). Advanced modeling of protein sequence and biophysical properties (such as structural, functional, and spatial information, amino acid conservation, physicochemical variation, residue mobility, and thermodynamic stability) performed at Invitae indicates that this missense variant is expected to disrupt ACD protein function. In summary, the available evidence is currently insufficient to determine the role of this variant in disease. Therefore, it has been classified as a Variant of Uncertain Significance.